The following is an entry in ClinVar:

ClinVar aggregate classification (germline): Benign/Likely benign. Review status: criteria provided, multiple submitters, no conflicts (2 of 4 stars). 3 submissions from 3 submitters: Benign (2); Likely benign (1). Last evaluated 2026-08-21.

Conditions:
DNAH1-related disorder. Also called: DNAH1-related condition.
Spermatogenic failure 18. Identifiers: MedGen C4539783, MONDO:0054615, OMIM 617576.
Ciliary dyskinesia, primary, 37 (CILD37). Also called: CILIARY DYSKINESIA, PRIMARY, 37, WITH OR WITHOUT SITUS INVERSUS. Identifiers: MedGen C4539798, MONDO:0033204, OMIM 617577.

Allele frequency attached by ClinVar (database versions not stated): gnomAD exomes 0.00015; 1000 Genomes Project 0.00020; 1000 Genomes Project 30x 0.00031; ExAC 0.00035; TOPMed 0.00069; ESP Exome Variant Server 0.00073; gnomAD 0.00086.
gnomAD v4.1: 202 of 1,603,736 alleles (0.013%); highest among the groups gnomAD compares: African/African-American, 0.22%; 1 homozygote.

Submissions (3):

PreventionGenetics, part of Exact Sciences
Classification: Likely benign for DNAH1-related condition. Last evaluated: 2026-08-21. Review status: criteria provided, single submitter. Criteria: ACMG Guidelines, 2015. Collection method: clinical testing. Allele origin: germline.
Comment: This variant is classified as likely benign based on ACMG/AMP sequence variant interpretation guidelines (Richards et al. 2015 PMID: 25741868, with internal and published modifications).

Labcorp Genetics (formerly Invitae), Labcorp
Classification: Benign for Ciliary dyskinesia, primary, 37; Spermatogenic failure 18. Last evaluated: 2026-01-11. Review status: criteria provided, single submitter. Criteria: Invitae Variant Classification Sherloc (09022015). Collection method: clinical testing. Allele origin: germline.

Breakthrough Genomics
Classification: Benign. Review status: criteria provided, single submitter. Criteria: ACMG Guidelines, 2015. Collection method: not provided. Allele origin: germline. Inheritance: Autosomal recessive inheritance. Affected: yes.

NM_015512.5(DNAH1):c.7572T>C (p.Asp2524=)

Gene: DNAH1 (dynein axonemal heavy chain 1; plus strand). Cytogenetic location: 3p21.1.
Variant type: single nucleotide variant.
Coding change: c.7572T>C on transcript NM_015512.5 (MANE Select); coding-DNA position 7572, T replaced by C.
Protein change: p.Asp2524=; no amino-acid change (aspartic acid 2524 retained).
Molecular consequence: synonymous variant.
Genome position (GRCh38, 1-based): chr3:52,380,099, T>C. VCF-style: chr3-52380099-T-C. GRCh37 (hg19) VCF-style: chr3-52414115-T-C.
Identifiers: ClinVar variation 544670 (VCV000544670.13), dbSNP rs368852045, ClinGen allele CA2434914.
Genomic context (GRCh38, chr3:52,380,099, plus strand): 5'-CAACAAGGTCTGCCCCTTCCAGCCCATTCTTTACGGGGACTTCATGTCACCAGGCTCCGA[T>C]GTCAAGTCCTACGAGCTCATCACCAGTGAGAGTAAGGTGAGGGGCCCAGGCAGGCGCCCT-3'
Protein context (NP_056327.4, residues 2514-2534): LYGDFMSPGS[Asp2524=]VKSYELITSE